The following is an entry in ClinVar:

NM_001004127.3(ALG11):c.649T>A (p.Phe217Ile)

Gene: ALG11 (ALG11 alpha-1,2-mannosyltransferase; plus strand). Cytogenetic location: 13q14.3.
Variant type: single nucleotide variant.
Coding change: c.649T>A on transcript NM_001004127.3 (MANE Select); coding-DNA position 649, T replaced by A.
Protein change: p.Phe217Ile; replaces phenylalanine 217 with isoleucine.
Molecular consequence: missense variant.
Genome position (GRCh38, 1-based): chr13:52,024,379, T>A. VCF-style: chr13-52024379-T-A. GRCh37 (hg19) VCF-style: chr13-52598515-T-A.
Other names: short protein forms F217I.
Identifiers: ClinVar variation 4088045 (VCV004088045.1).

ClinVar aggregate classification (germline): Uncertain significance (1 of 4 stars; one submission).

Submission:

GeneDx
Classification: Uncertain significance. Last evaluated: 2025-03-27. Review status: criteria provided, single submitter. Criteria: GeneDx Variant Classification Process June 2021. Collection method: clinical testing. Allele origin: germline. Affected: yes.
Comment: Not observed at significant frequency in large population cohorts (gnomAD); In silico analysis supports that this missense variant has a deleterious effect on protein structure/function; Has not been previously published as pathogenic or benign to our knowledge